The following is an entry in ClinVar:

ClinVar aggregate classification (germline): Uncertain significance (1 of 4 stars; one submission).

Conditions:
Xeroderma pigmentosum, group F (XPF). Also called: XERODERMA PIGMENTOSUM, COMPLEMENTATION GROUP F; XERODERMA PIGMENTOSUM VI; XP, GROUP F; ERCC4-Related Xeroderma Pigmentosum; XERODERMA PIGMENTOSUM, TYPE F; Xeroderma pigmentosum, type 6. Identifiers: MedGen C0268140, MONDO:0010215, OMIM 278760.
Fanconi anemia complementation group Q. Identifiers: Orphanet 84, MedGen C3808988, MONDO:0014108, OMIM 615272.
Cockayne syndrome. Identifiers: Orphanet 191, MedGen C0009207, MONDO:0016006.

Allele frequency attached by ClinVar (database versions not stated): gnomAD 0.00001.
gnomAD v4.1: 2 of 1,586,978 alleles (0.00013%); highest among the groups gnomAD compares: African/African-American, 0.0013%; no homozygotes.

Submission:

Labcorp Genetics (formerly Invitae), Labcorp
Classification: Uncertain significance for Fanconi anemia complementation group Q; Xeroderma pigmentosum, group F; Cockayne syndrome. Last evaluated: 2019-10-18. Review status: criteria provided, single submitter. Criteria: Invitae Variant Classification Sherloc (09022015). Collection method: clinical testing. Allele origin: germline.
Comment: This sequence change falls in intron 10 of the ERCC4 gene. It does not directly change the encoded amino acid sequence of the ERCC4 protein, but it affects a nucleotide within the consensus splice site of the intron. This variant is not present in population databases (ExAC no frequency). This variant has not been reported in the literature in individuals with ERCC4-related conditions. Nucleotide substitutions within the consensus splice site are a relatively common cause of aberrant splicing (PMID: 17576681, 9536098). Algorithms developed to predict the effect of sequence changes on RNA splicing suggest that this variant is not likely to affect RNA splicing, but this prediction has not been confirmed by published transcriptional studies. In summary, the available evidence is currently insufficient to determine the role of this variant in disease. Therefore, it has been classified as a Variant of Uncertain Significance.

Literature cited by the submitters: PubMed 17576681; PubMed 9536098.

NM_005236.3(ERCC4):c.2017+3G>A

Gene: ERCC4 (ERCC excision repair 4, endonuclease catalytic subunit; plus strand). Cytogenetic location: 16p13.12.
Variant type: single nucleotide variant.
Coding change: c.2017+3G>A on transcript NM_005236.3 (MANE Select); 3 bases into the intron after coding-DNA position 2017, G replaced by A.
Molecular consequence: intron variant.
Genome position (GRCh38, 1-based): chr16:13,944,838, G>A. VCF-style: chr16-13944838-G-A. GRCh37 (hg19) VCF-style: chr16-14038695-G-A.
Identifiers: ClinVar variation 970403 (VCV000970403.3), dbSNP rs1596634140, ClinGen allele CA974914371.